The following is an entry in ClinVar:

ClinVar aggregate classification (germline): Uncertain significance (1 of 4 stars; one submission).

Submission:

Labcorp Genetics (formerly Invitae), Labcorp
Classification: Uncertain significance. Last evaluated: 2023-06-09. Review status: criteria provided, single submitter. Criteria: Invitae Variant Classification Sherloc (09022015). Collection method: clinical testing. Allele origin: germline.
Comment: This variant has not been reported in the literature in individuals affected with TUBA8-related conditions. This variant is not present in population databases (gnomAD no frequency). This sequence change replaces aspartic acid, which is acidic and polar, with tyrosine, which is neutral and polar, at codon 306 of the TUBA8 protein (p.Asp306Tyr). Advanced modeling of protein sequence and biophysical properties (such as structural, functional, and spatial information, amino acid conservation, physicochemical variation, residue mobility, and thermodynamic stability) performed at Invitae indicates that this missense variant is expected to disrupt TUBA8 protein function. In summary, the available evidence is currently insufficient to determine the role of this variant in disease. Therefore, it has been classified as a Variant of Uncertain Significance.

NM_018943.3(TUBA8):c.916G>T (p.Asp306Tyr)

Gene: TUBA8 (tubulin alpha 8; plus strand). Cytogenetic location: 22q11.21.
Variant type: single nucleotide variant.
Coding change: c.916G>T on transcript NM_018943.3 (MANE Select); coding-DNA position 916, G replaced by T.
Protein change: p.Asp306Tyr; replaces aspartic acid 306 with tyrosine.
Molecular consequence: missense variant.
Genome position (GRCh38, 1-based): chr22:18,126,894, G>T. VCF-style: chr22-18126894-G-T. GRCh37 (hg19) VCF-style: chr22-18609661-G-T.
Other names: c.718G>T, p.Asp240Tyr (NM_001193414.2); short protein forms D240Y, D306Y.
Identifiers: ClinVar variation 2702454 (VCV002702454.3), dbSNP rs142925642, ClinGen allele CA410265027.